The following is an entry in ClinVar:

ClinVar aggregate classification (germline): Uncertain significance. Review status: criteria provided, multiple submitters, no conflicts (2 of 4 stars). 2 submissions from 2 submitters: Uncertain significance (2). Last evaluated 2026-09-22.

Conditions:
CFAP298-related disorder. Also called: CFAP298-related condition.

Allele frequency attached by ClinVar (database versions not stated): TOPMed below 0.00001; gnomAD 0.00003; gnomAD exomes 0.00008; ExAC 0.00013; 1000 Genomes Project 30x 0.00016; 1000 Genomes Project 0.00020.

Submissions (2):

PreventionGenetics, part of Exact Sciences
Classification: Uncertain significance for CFAP298-related condition. Last evaluated: 2026-09-22. Review status: criteria provided, single submitter. Criteria: ACMG Guidelines, 2015. Collection method: clinical testing. Allele origin: germline.
Comment: The CFAP298 c.227A>G variant is predicted to result in the amino acid substitution p.Lys76Arg. To our knowledge, this variant has not been reported in the literature. This variant is reported in 0.088% of alleles in individuals of South Asian descent in gnomAD. At this time, the clinical significance of this variant is uncertain due to the absence of conclusive functional and genetic evidence.

Labcorp Genetics (formerly Invitae), Labcorp
Classification: Uncertain significance. Last evaluated: 2025-06-30. Review status: criteria provided, single submitter. Criteria: Invitae Variant Classification Sherloc (09022015). Collection method: clinical testing. Allele origin: germline.
Comment: This sequence change replaces lysine, which is basic and polar, with arginine, which is basic and polar, at codon 76 of the CFAP298 protein (p.Lys76Arg). This variant is present in population databases (rs568749302, gnomAD 0.08%). This variant has not been reported in the literature in individuals affected with CFAP298-related conditions. ClinVar contains an entry for this variant (Variation ID: 2077659). An algorithm developed to predict the effect of missense changes on protein structure and function outputs the following: PolyPhen-2: "Benign". The arginine amino acid residue is found in multiple mammalian species, which suggests that this missense change does not adversely affect protein function. In summary, the available evidence is currently insufficient to determine the role of this variant in disease. Therefore, it has been classified as a Variant of Uncertain Significance.

NM_021254.4(CFAP298):c.227A>G (p.Lys76Arg)

Genes: CFAP298 (cilia and flagella associated protein 298; minus strand), CFAP298-TCP10L (CFAP298-TCP10L readthrough; minus strand). Cytogenetic location: 21q22.11.
Variant type: single nucleotide variant.
Coding change: c.227A>G on transcript NM_021254.4 (MANE Select); coding-DNA position 227, A replaced by G.
Protein change: p.Lys76Arg; replaces lysine 76 with arginine.
Molecular consequence: missense variant. On other transcripts: non-coding transcript variant (2), 5 prime UTR variant (1).
Genome position (GRCh38, 1-based): chr21:32,609,918, T>C on the plus strand (A>G on the coding strand, the complement: CFAP298 is on the minus strand). VCF-style: chr21-32609918-T-C. GRCh37 (hg19) VCF-style: chr21-33982228-T-C.
Other names: c.227A>G, p.Lys76Arg (NM_001350338.2, NM_001350335.2, NM_001350336.2 and 1 more transcripts); c.-3A>G (NM_001350334.2); c.227A>G (NM_021254.2); short protein forms K76R.
Identifiers: ClinVar variation 2077659 (VCV002077659.3), dbSNP rs568749302, ClinGen allele CA10002941.
Genomic context (GRCh38, chr21:32,609,918, plus strand): 5'-ATATCATCCTTTTTAAACACTGCACCTCCGCTGGGTACGCATTTTTCACCCCATTCATCC[T>C]TCAATTTCAATTCTTCAATCTGATCATCGGTCAGTCCTTGCATATTAGGAGGGAGAAATA-3'
Protein context (NP_067077.1, residues 66-86): TDDQIEELKL[Lys76Arg]DEWGEKCVPS